The following is an entry in ClinVar:

ClinVar aggregate classification (germline): Uncertain significance. Review status: criteria provided, multiple submitters, no conflicts (2 of 4 stars). 3 submissions from 3 submitters: Uncertain significance (3). Last evaluated 2025-11-30.

Conditions:
Fanconi anemia complementation group J. Also called: BRIP1-Related Fanconi Anemia. Identifiers: Orphanet 84, MedGen C1836860, MONDO:0012187, OMIM 609054.
Familial cancer of breast. Also called: BREAST CANCER, FAMILIAL; Hereditary breast cancer; hereditary breast carcinoma. Identifiers: Orphanet 227535, MedGen C0346153, MONDO:0016419, OMIM 114480. Disease mechanism: loss of function.
Hereditary cancer-predisposing syndrome. Also called: Hereditary neoplastic syndrome; Neoplastic Syndromes, Hereditary; Tumor predisposition; Hereditary Cancer Syndrome. Identifiers: Orphanet 140162, MedGen C0027672, MeSH D009386, MONDO:0015356.

Allele frequency attached by ClinVar (database versions not stated): gnomAD exomes below 0.00001.
gnomAD v4.1: 1 of 1,611,218 alleles (0.000062%); highest among the groups gnomAD compares: Non-Finnish European, 0.000085%; no homozygotes.

Submissions (3):

Ambry Genetics
Classification: Uncertain significance for Hereditary cancer-predisposing syndrome. Last evaluated: 2025-11-30. Review status: criteria provided, single submitter. Criteria: Ambry Variant Classification Scheme 2023. Collection method: clinical testing. Allele origin: germline.
Comment: The p.R378K variant (also known as c.1133G>A), located in coding exon 7 of the BRIP1 gene, results from a G to A substitution at nucleotide position 1133. The arginine at codon 378 is replaced by lysine, an amino acid with highly similar properties. This amino acid position is highly conserved in available vertebrate species. In addition, the in silico prediction for this alteration is inconclusive. Since supporting evidence is limited at this time, the clinical significance of this alteration remains unclear.

Color Diagnostics, LLC DBA Color Health
Classification: Uncertain significance for Hereditary cancer-predisposing syndrome. Last evaluated: 2024-03-06. Review status: criteria provided, single submitter. Criteria: ACMG Guidelines, 2015. Collection method: clinical testing. Allele origin: germline.
Comment: This missense variant replaces arginine with lysine at codon 378 of the BRIP1 protein. Computational prediction is inconclusive regarding the impact of this variant on protein structure and function (internally defined REVEL score threshold 0.5 < inconclusive < 0.7, PMID: 27666373). To our knowledge, functional studies have not been reported for this variant. This variant has not been reported in individuals affected with hereditary cancer in the literature. This variant has not been identified in the general population by the Genome Aggregation Database (gnomAD). The available evidence is insufficient to determine the role of this variant in disease conclusively. Therefore, this variant is classified as a Variant of Uncertain Significance.

Labcorp Genetics (formerly Invitae), Labcorp
Classification: Uncertain significance for Familial cancer of breast; Fanconi anemia complementation group J. Last evaluated: 2022-11-04. Review status: criteria provided, single submitter. Criteria: Invitae Variant Classification Sherloc (09022015). Collection method: clinical testing. Allele origin: germline.
Comment: In summary, the available evidence is currently insufficient to determine the role of this variant in disease. Therefore, it has been classified as a Variant of Uncertain Significance. This sequence change replaces arginine, which is basic and polar, with lysine, which is basic and polar, at codon 378 of the BRIP1 protein (p.Arg378Lys). This variant is not present in population databases (gnomAD no frequency). This variant has not been reported in the literature in individuals affected with BRIP1-related conditions. ClinVar contains an entry for this variant (Variation ID: 483195). Advanced modeling of protein sequence and biophysical properties (such as structural, functional, and spatial information, amino acid conservation, physicochemical variation, residue mobility, and thermodynamic stability) performed at Invitae indicates that this missense variant is expected to disrupt BRIP1 protein function.

NM_032043.3(BRIP1):c.1133G>A (p.Arg378Lys)

Gene: BRIP1 (BRCA1 interacting DNA helicase 1; minus strand). Cytogenetic location: 17q23.2.
Variant type: single nucleotide variant.
Coding change: c.1133G>A on transcript NM_032043.3 (MANE Select); coding-DNA position 1133, G replaced by A.
Protein change: p.Arg378Lys; replaces arginine 378 with lysine.
Molecular consequence: missense variant.
Genome position (GRCh38, 1-based): chr17:61,801,260, C>T on the plus strand (G>A on the coding strand, the complement: BRIP1 is on the minus strand). VCF-style: chr17-61801260-C-T. GRCh37 (hg19) VCF-style: chr17-59878621-C-T.
Other names: short protein forms R378K.
Identifiers: ClinVar variation 483195 (VCV000483195.22), dbSNP rs1555607637, ClinGen allele CA400483865.
Genomic context (GRCh38, chr17:61,801,260, plus strand): 5'-ATTTACATCTCCATGAGTAGGAAGAAGGTTCTCATTTTTACACATATACTCACACTTTCC[C>T]TTATTTGTGCATCTAGAAGATAGTTGTAGGGACAAAATATGATGTCAGCATCTTGTATTA-3'
Protein context (NP_114432.2, residues 368-388): PYNYLLDAQI[Arg378Lys]ESMDLNLKEQ